The following is an entry in ClinVar:

NM_001036.6(RYR3):c.4562G>C (p.Trp1521Ser)

Gene: RYR3 (ryanodine receptor 3; plus strand). Cytogenetic location: 15q14.
Variant type: single nucleotide variant.
Coding change: c.4562G>C on transcript NM_001036.6 (MANE Select); coding-DNA position 4562, G replaced by C.
Protein change: p.Trp1521Ser; replaces tryptophan 1521 with serine.
Molecular consequence: missense variant.
Genome position (GRCh38, 1-based): chr15:33,660,363, G>C. VCF-style: chr15-33660363-G-C. GRCh37 (hg19) VCF-style: chr15-33952564-G-C.
Other names: c.4562G>C, p.Trp1521Ser (NM_001243996.4); short protein forms W1521S.
Identifiers: ClinVar variation 461915 (VCV000461915.3), dbSNP rs1217109352, ClinGen allele CA391566776.
Genomic context (GRCh38, chr15:33,660,363, plus strand): 5'-GCCGCATGCCCAACAGCTTCCTGAAGGTGGAGACCGAGCGTGTGAGCGAGCGCCACGGCT[G>C]GGTGGTGCAGTGCCTGGAGCCCCTGCAGATGATGGCGCTCCACATCCCCGAGGAGAACAG-3'
Protein context (NP_001027.3, residues 1511-1531): ETERVSERHG[Trp1521Ser]VVQCLEPLQM

ClinVar aggregate classification (germline): Uncertain significance (1 of 4 stars; one submission).

Conditions:
Epileptic encephalopathy. Identifiers: MedGen C0543888, HP:0200134.

Allele frequency attached by ClinVar (database versions not stated): TOPMed below 0.00001; gnomAD exomes 0.00001.
gnomAD v4.1: 7 of 1,590,980 alleles (0.00044%); highest among the groups gnomAD compares: South Asian, 0.0058%; no homozygotes.

Submission:

Labcorp Genetics (formerly Invitae), Labcorp
Classification: Uncertain significance for Epileptic encephalopathy. Last evaluated: 2021-08-28. Review status: criteria provided, single submitter. Criteria: Invitae Variant Classification Sherloc (09022015). Collection method: clinical testing. Allele origin: germline.
Comment: This sequence change replaces tryptophan with serine at codon 1521 of the RYR3 protein (p.Trp1521Ser). The tryptophan residue is highly conserved and there is a large physicochemical difference between tryptophan and serine. This variant is not present in population databases (ExAC no frequency). This variant has not been reported in the literature in individuals affected with RYR3-related conditions. Algorithms developed to predict the effect of missense changes on protein structure and function (SIFT, PolyPhen-2, Align-GVGD) all suggest that this variant is likely to be disruptive. In summary, the available evidence is currently insufficient to determine the role of this variant in disease. Therefore, it has been classified as a Variant of Uncertain Significance.